The following is an entry in ClinVar:

ClinVar aggregate classification (germline): Pathogenic (1 of 4 stars; one submission).

Conditions:
Isolated microphthalmia 2. Identifiers: Orphanet 2542, MedGen C1864720, MONDO:0012409, OMIM 610093.

Submission:

Labcorp Genetics (formerly Invitae), Labcorp
Classification: Pathogenic for Isolated microphthalmia 2. Last evaluated: 2023-09-05. Review status: criteria provided, single submitter. Criteria: Invitae Variant Classification Sherloc (09022015). Collection method: clinical testing. Allele origin: germline.
Comment: This sequence change creates a premature translational stop signal (p.Leu56Profs*71) in the VSX2 gene. It is expected to result in an absent or disrupted protein product. Loss-of-function variants in VSX2 are known to be pathogenic (PMID: 20414678). This variant is not present in population databases (gnomAD no frequency). This variant has not been reported in the literature in individuals affected with VSX2-related conditions. For these reasons, this variant has been classified as Pathogenic.

Literature cited by the submitters: PubMed 20414678.

NM_182894.3(VSX2):c.166dup (p.Leu56fs)

Gene: VSX2 (visual system homeobox 2; plus strand). Cytogenetic location: 14q24.3.
Variant type: Duplication.
Coding change: c.166dup on transcript NM_182894.3 (MANE Select); coding-DNA position 166, one base duplicated (C; older notation c.166dupC).
Protein change: p.Leu56fs; shifts the reading frame from leucine 56.
Molecular consequence: frameshift variant.
Genome position (GRCh38, 1-based): chr14:74,239,727, C duplicated; the last of 2 consecutive C bases (chr14:74,239,726-74,239,727); duplicating either gives the same sequence. VCF-style (leftmost placement, unchanged base first): chr14-74239725-G-GC. GRCh37 (hg19) VCF-style: chr14-74706428-G-GC.
Other names: short protein forms L56fs.
Identifiers: ClinVar variation 2758164 (VCV002758164.3), dbSNP rs2504945525, ClinGen allele CA2697551983.